The following is an entry in ClinVar:

NM_003661.4(APOL1):c.1168A>G (p.Lys390Glu)

Gene: APOL1 (apolipoprotein L1; plus strand). Cytogenetic location: 22q12.3.
Variant type: single nucleotide variant.
Coding change: c.1168A>G on transcript NM_003661.4 (MANE Select); coding-DNA position 1168, A replaced by G.
Protein change: p.Lys390Glu; replaces lysine 390 with glutamic acid.
Molecular consequence: missense variant.
Genome position (GRCh38, 1-based): chr22:36,266,004, A>G. VCF-style: chr22-36266004-A-G. GRCh37 (hg19) VCF-style: chr22-36662050-A-G.
Other names: c.1168A>G, p.Lys390Glu (NM_001136540.2); c.1114A>G, p.Lys372Glu (NM_001136541.2, NM_001362927.2); c.1216A>G, p.Lys406Glu (NM_145343.3); c.1168A>G (NM_003661.3); short protein forms K390E, K372E, K406E.
Identifiers: ClinVar variation 1491422 (VCV001491422.9), dbSNP rs759590339, ClinGen allele CA10208852.

ClinVar aggregate classification (germline): Conflicting classifications of pathogenicity. Review status: criteria provided, conflicting classifications (1 of 4 stars). 2 submissions from 2 submitters: Uncertain significance (1); Likely benign (1). Last evaluated 2024-12-31.

Allele frequency attached by ClinVar (database versions not stated): TOPMed below 0.00001; gnomAD 0.00001; gnomAD exomes 0.00001 and 0.00002; ExAC 0.00003.

Submissions (2):

Ambry Genetics
Classification: Likely benign. Last evaluated: 2024-12-31. Review status: criteria provided, single submitter. Criteria: Ambry Variant Classification Scheme 2023. Collection method: clinical testing. Allele origin: germline.

Labcorp Genetics (formerly Invitae), Labcorp
Classification: Uncertain significance. Last evaluated: 2021-05-29. Review status: criteria provided, single submitter. Criteria: Invitae Variant Classification Sherloc (09022015). Collection method: clinical testing. Allele origin: germline.
Comment: This variant has not been reported in the literature in individuals with APOL1-related conditions. In summary, the available evidence is currently insufficient to determine the role of this variant in disease. Therefore, it has been classified as a Variant of Uncertain Significance. Algorithms developed to predict the effect of missense changes on protein structure and function output the following: SIFT: "Tolerated"; PolyPhen-2: "Benign"; Align-GVGD: "Class C0". The glutamic acid amino acid residue is found in multiple mammalian species, suggesting that this missense change does not adversely affect protein function. These predictions have not been confirmed by published functional studies and their clinical significance is uncertain. This variant is present in population databases (rs759590339, ExAC 0.007%). This sequence change replaces lysine with glutamic acid at codon 390 of the APOL1 protein (p.Lys390Glu). The lysine residue is weakly conserved and there is a small physicochemical difference between lysine and glutamic acid.